The following is an entry in ClinVar:

ClinVar aggregate classification (germline): Uncertain significance (1 of 4 stars; one submission).

Conditions:
Cardiovascular phenotype. Identifiers: MedGen CN230736.

Allele frequency attached by ClinVar (database versions not stated): gnomAD exomes below 0.00001; gnomAD 0.00001; TOPMed 0.00001.
gnomAD v4.1: 3 of 1,613,958 alleles (0.00019%); highest among the groups gnomAD compares: African/African-American, 0.004%; no homozygotes.

Submission:

Ambry Genetics
Classification: Uncertain significance for Cardiovascular phenotype. Last evaluated: 2022-01-10. Review status: criteria provided, single submitter. Criteria: Ambry Variant Classification Scheme 2023. Collection method: clinical testing. Allele origin: germline.
Comment: The p.P25A variant (also known as c.73C>G), located in coding exon 2 of the SCN2B gene, results from a C to G substitution at nucleotide position 73. The proline at codon 25 is replaced by alanine, an amino acid with highly similar properties. This amino acid position is conserved. In addition, the in silico prediction for this alteration is inconclusive. Since supporting evidence is limited at this time, the clinical significance of this alteration remains unclear.

NM_004588.5(SCN2B):c.73C>G (p.Pro25Ala)

Gene: SCN2B (sodium voltage-gated channel beta subunit 2; minus strand). Cytogenetic location: 11q23.3.
Variant type: single nucleotide variant.
Coding change: c.73C>G on transcript NM_004588.5 (MANE Select); coding-DNA position 73, C replaced by G.
Protein change: p.Pro25Ala; replaces proline 25 with alanine.
Molecular consequence: missense variant.
Genome position (GRCh38, 1-based): chr11:118,168,749, G>C on the plus strand (C>G on the coding strand, the complement: SCN2B is on the minus strand). VCF-style: chr11-118168749-G-C. GRCh37 (hg19) VCF-style: chr11-118039464-G-C.
Other names: short protein forms P25A.
Identifiers: ClinVar variation 1758716 (VCV001758716.2), dbSNP rs926157678, ClinGen allele CA229467027.
Genomic context (GRCh38, chr11:118,168,749, plus strand): 5'-CAGAGCCATTGAGGACGTTGAGGGTGGCAGGTACTGTGACCTCCATGCTCCGTCCTGGTG[G>C]CACTGCAGATGAAGCCACAAGCTGGTGAGGAGTCTGGCTGAAAGGGCTGGGGAGGGGCAA-3'
Protein context (NP_004579.1, residues 15-35): TGLSLFFSLV[Pro25Ala]PGRSMEVTVP